The following is an entry in ClinVar:

ClinVar aggregate classification (germline): Uncertain significance (1 of 4 stars; one submission).

Conditions:
Familial intrahepatic cholestasis. Identifiers: Orphanet 284385, MedGen CN296401, MONDO:0017290.
Low phospholipid associated cholelithiasis (GBD1). Also called: Gallbladder disease 1; Gallstone cholecystitis. Identifiers: Orphanet 69663, MedGen C2609268, MONDO:0010939, OMIM 600803.

gnomAD v4.1: 2 of 1,614,222 alleles (0.00012%); highest among the groups gnomAD compares: South Asian, 0.0022%; no homozygotes.

Submission:

Genomenon, Inc
Classification: Uncertain significance for Familial intrahepatic cholestasis; Low phospholipid associated cholelithiasis. Last evaluated: 2026-04-14. Review status: criteria provided, single submitter. Criteria: Genomenon Sequence Variant Interpretation Standards - Updated. Collection method: curation. Allele origin: germline. Affected: no.
Comment: ABCB4 p.Lys1060Arg (c.3179A>G) is a missense variant that changes the amino acid at residue 1060 from Lysine to Arginine. This variant has been reported in the published literature (PMID:37208429). It is absent or not present at a significant frequency in gnomAD. In silico models predict that this variant is not damaging. In conclusion, we classify ABCB4 p.Lys1060Arg (c.3179A>G) as a variant of uncertain significance.

Literature cited by the submitters: PubMed 37208429.

NM_000443.4(ABCB4):c.3179A>G (p.Lys1060Arg)

Gene: ABCB4 (ATP binding cassette subfamily B member 4; minus strand). Cytogenetic location: 7q21.12.
Variant type: single nucleotide variant.
Coding change: c.3179A>G on transcript NM_000443.4 (MANE Select); coding-DNA position 3179, A replaced by G.
Protein change: p.Lys1060Arg; replaces lysine 1060 with arginine.
Molecular consequence: missense variant.
Genome position (GRCh38, 1-based): chr7:87,408,137, T>C on the plus strand (A>G on the coding strand, the complement: ABCB4 is on the minus strand). VCF-style: chr7-87408137-T-C. GRCh37 (hg19) VCF-style: chr7-87037453-T-C.
Other names: c.3179A>G, p.Lys1060Arg (NM_018849.3); c.3038A>G, p.Lys1013Arg (NM_018850.3); short protein forms K1013R, K1060R.
Identifiers: ClinVar variation 4846516 (VCV004846516.1).
Genomic context (GRCh38, chr7:87,408,137, plus strand): 5'-TGGACCACCGTGCTCTTCCCACAGCCACTGCTGCCCACCAGGGCTAGTGTCTGGCCTTTC[T>C]TCACCTCCAGGCTCAGCCCCTGAAGCACTGGCACGTTTGCTCGGGTGGGATAGTTGAACA-3'
Protein context (NP_000434.1, residues 1050-1070): PVLQGLSLEV[Lys1060Arg]KGQTLALVGS